The following is an entry in ClinVar:

NM_000130.5(F5):c.3776C>A (p.Ser1259Tyr)

Gene: F5 (coagulation factor V; minus strand). Cytogenetic location: 1q24.2.
Variant type: single nucleotide variant.
Coding change: c.3776C>A on transcript NM_000130.5 (MANE Select); coding-DNA position 3776, C replaced by A.
Protein change: p.Ser1259Tyr; replaces serine 1259 with tyrosine.
Molecular consequence: missense variant.
Genome position (GRCh38, 1-based): chr1:169,541,314, G>T on the plus strand (C>A on the coding strand, the complement: F5 is on the minus strand). VCF-style: chr1-169541314-G-T. GRCh37 (hg19) VCF-style: chr1-169510552-G-T.
Other names: short protein forms S1259Y.
Identifiers: ClinVar variation 714099 (VCV000714099.10), dbSNP rs150104888, ClinGen allele CA1233830.

ClinVar aggregate classification (germline): Conflicting classifications of pathogenicity. Review status: criteria provided, conflicting classifications (1 of 4 stars). 5 submissions from 3 submitters: Uncertain significance (1); Likely benign (4). Last evaluated 2026-01-26.

Conditions:
Thrombophilia due to thrombin defect (THPH1). Also called: Thrombosis susceptibility; THROMBOPHILIA DUE TO FACTOR 2 DEFECT; Prothrombin-Related Thrombophilia (Factor II); Prothrombin Thrombophilia. Identifiers: MedGen C3160733, MONDO:0008559, OMIM 188050. Disease mechanism: loss of function, gain of function.
Inborn genetic diseases. Identifiers: MedGen C0950123, MeSH D030342.
Congenital factor V deficiency. Also called: Hereditary factor V deficiency disease; LABILE FACTOR DEFICIENCY; OWREN PARAHEMOPHILIA; PARAHEMOPHILIA. Identifiers: Orphanet 326, MedGen C0015499, MONDO:0009210, OMIM 227400.
Budd-Chiari syndrome (BDCHS). Also called: Hepatic vein obstruction. Identifiers: Orphanet 131, MedGen C0856761, MONDO:0010947, OMIM 600880, HP:0002639.
Factor V deficiency. Also called: Reduced coagulation factor V activity. Identifiers: Orphanet 326, MedGen C4317320, MONDO:0020586, HP:0003225.

Allele frequency attached by ClinVar (database versions not stated): gnomAD exomes 0.00049; ExAC 0.00065; 1000 Genomes Project 30x 0.00219; gnomAD 0.00230 and 0.00246; 1000 Genomes Project 0.00260; ESP Exome Variant Server 0.00315.
gnomAD v4.1: 629 of 1,575,242 alleles (0.04%); highest among the groups gnomAD compares: African/African-American, 0.78%; 2 homozygotes.

Submissions (5):

Labcorp Genetics (formerly Invitae), Labcorp
Classification: Likely benign for Congenital factor V deficiency. Last evaluated: 2026-01-26. Review status: criteria provided, single submitter. Criteria: Invitae Variant Classification Sherloc (09022015). Collection method: clinical testing. Allele origin: germline.

Ambry Genetics
Classification: Uncertain significance for Inborn genetic diseases. Last evaluated: 2025-10-07. Review status: criteria provided, single submitter. Criteria: Ambry Variant Classification Scheme 2023. Collection method: clinical testing. Allele origin: germline.

Illumina Laboratory Services, Illumina
Classification: Likely benign for Congenital factor V deficiency. Last evaluated: 2018-01-13. Review status: criteria provided, single submitter. Criteria: ICSL Variant Classification Criteria 13 December 2019. Collection method: clinical testing. Allele origin: germline.
Comment: This variant was observed in the ICSL laboratory as part of a predisposition screen in an ostensibly healthy population. It had not been previously curated by ICSL or reported in the Human Gene Mutation Database (HGMD: prior to June 1st, 2018), and was therefore a candidate for classification through an automated scoring system. Utilizing variant allele frequency, disease prevalence and penetrance estimates, and inheritance mode, an automated score was calculated to assess if this variant is too frequent to cause the disease. Based on the score and internal cut-off values, a variant classified as likely benign is not then subjected to further curation. The score for this variant resulted in a classification of likely benign for this disease.

Illumina Laboratory Services, Illumina
Classification: Likely benign for Venous thrombosis. Last evaluated: 2018-01-13. Review status: criteria provided, single submitter. Criteria: ICSL Variant Classification Criteria 13 December 2019. Collection method: clinical testing. Allele origin: germline.
Comment: the same text as in the submission from Illumina Laboratory Services, Illumina above.

Illumina Laboratory Services, Illumina
Classification: Likely benign for Budd-Chiari syndrome. Last evaluated: 2018-01-13. Review status: criteria provided, single submitter. Criteria: ICSL Variant Classification Criteria 13 December 2019. Collection method: clinical testing. Allele origin: germline.
Comment: the same text as in the submission from Illumina Laboratory Services, Illumina above.